The following is an entry in ClinVar:

NM_003722.5(TP63):c.1748A>T (p.Asp583Val)

Gene: TP63 (tumor protein p63; plus strand). Cytogenetic location: 3q28.
Variant type: single nucleotide variant.
Coding change: c.1748A>T on transcript NM_003722.5 (MANE Select); coding-DNA position 1748, A replaced by T.
Protein change: p.Asp583Val; replaces aspartic acid 583 with valine.
Molecular consequence: missense variant.
Genome position (GRCh38, 1-based): chr3:189,894,207, A>T. VCF-style: chr3-189894207-A-T. GRCh37 (hg19) VCF-style: chr3-189611996-A-T.
Other names: c.1654A>T, p.Ile552Phe (NM_001114978.2); c.1466A>T, p.Asp489Val (NM_001114980.2); c.1372A>T, p.Ile458Phe (NM_001114981.2); c.1509A>T, p.Arg503Ser (NM_001329144.2); c.1227A>T, p.Arg409Ser (NM_001329145.2); c.1211A>T, p.Asp404Val (NM_001329146.2); c.1736A>T, p.Asp579Val (NM_001329148.2); c.1215A>T, p.Arg405Ser (NM_001329149.2); and 2 more; short protein forms D583V, I552F, R409S, D581V, R320S, D404V, D579V, I458F.
Identifiers: ClinVar variation 665978 (VCV000665978.2), dbSNP rs1577213305, ClinGen allele CA355751099.

ClinVar aggregate classification (germline): Uncertain significance (1 of 4 stars; one submission).

Conditions:
TP63-Related Spectrum Disorders.

Submission:

Labcorp Genetics (formerly Invitae), Labcorp
Classification: Uncertain significance for TP63-Related Spectrum Disorders. Last evaluated: 2019-04-16. Review status: criteria provided, single submitter. Criteria: Invitae Variant Classification Sherloc (09022015). Collection method: clinical testing. Allele origin: germline.
Comment: This sequence change replaces aspartic acid with valine at codon 583 of the TP63 protein (p.Asp583Val). The aspartic acid residue is highly conserved and there is a large physicochemical difference between aspartic acid and valine. This variant is not present in population databases (ExAC no frequency). This variant has been observed in an individual affected with ankyloblepharon-ectodermal dysplasia-cleft lip/palate syndrome, also known as Hay-Wells syndrome (PMID: 19676060). This variant is also known as c.1631A>T (p.Asp544Val) in the literature. Algorithms developed to predict the effect of missense changes on protein structure and function are either unavailable or do not agree on the potential impact of this missense change (SIFT: "Deleterious"; PolyPhen-2: "Probably Damaging"; Align-GVGD: "Class C15"). Algorithms developed to predict the effect of sequence changes on RNA splicing suggest that this variant may create or strengthen a splice site, but this prediction has not been confirmed by published transcriptional studies. This variant disrupts the p.Asp583 amino acid residue in TP63. Other variant(s) that disrupt this residue have been observed in individuals with TP63-related conditions (PMID: 19676060), which suggests that this may be a clinically significant amino acid residue. In summary, the available evidence is currently insufficient to determine the role of this variant in disease. Therefore, it has been classified as a Variant of Uncertain Significance.

Literature cited by the submitters: PubMed 19676060.